The following is an entry in ClinVar:

ClinVar aggregate classification (germline): Pathogenic (1 of 4 stars; one submission).

Conditions:
Rubinstein-Taybi syndrome (RSTS). Identifiers: Orphanet 783, MedGen C0035934, MONDO:0019188.

Submission:

Labcorp Genetics (formerly Invitae), Labcorp
Classification: Pathogenic for Rubinstein-Taybi syndrome. Last evaluated: 2019-12-03. Review status: criteria provided, single submitter. Criteria: Invitae Variant Classification Sherloc (09022015). Collection method: clinical testing. Allele origin: germline.
Comment: For these reasons, this variant has been classified as Pathogenic. Loss-of-function variants in CREBBP are known to be pathogenic (PMID: 17052327, 18792986). This variant has not been reported in the literature in individuals with CREBBP-related conditions. This variant is a gross deletion of the genomic region encompassing exons 1-23 of the CREBBP gene, which includes the initiator codon. The 5' end of this event is unknown as it extends beyond the assayed region for this gene and therefore may encompass additional genes. The 3' boundary is likely confined to intron 23 of the CREBBP gene. This is expected to result in an absent or disrupted protein product.

Literature cited by the submitters: PubMed 17052327; PubMed 18792986.

NC_000016.10:g.(?_3744874)_(4337544_?)del

Genes: ADCY9 (adenylate cyclase 9; minus strand), CREBBP (CREB binding lysine acetyltransferase; minus strand), GLIS2 (GLIS family zinc finger 2; plus strand), SRL (sarcalumenin; minus strand), TFAP4 (transcription factor AP-4; minus strand). Cytogenetic location: 16p13.3.
Variant type: Deletion.
Identifiers: ClinVar variation 831349 (VCV000831349.5).